The following is an entry in ClinVar:

NM_032444.4(SLX4):c.5300A>G (p.Tyr1767Cys)

Gene: SLX4 (SLX4 structure-specific endonuclease subunit; minus strand). Cytogenetic location: 16p13.3.
Variant type: single nucleotide variant.
Coding change: c.5300A>G on transcript NM_032444.4 (MANE Select); coding-DNA position 5300, A replaced by G.
Protein change: p.Tyr1767Cys; replaces tyrosine 1767 with cysteine.
Molecular consequence: missense variant.
Genome position (GRCh38, 1-based): chr16:3,582,547, T>C on the plus strand (A>G on the coding strand, the complement: SLX4 is on the minus strand). VCF-style: chr16-3582547-T-C. GRCh37 (hg19) VCF-style: chr16-3632548-T-C.
Other names: short protein forms Y1767C.
Identifiers: ClinVar variation 1041667 (VCV001041667.10), dbSNP rs2040450814, ClinGen allele CA394513785.

ClinVar aggregate classification (germline): Uncertain significance (1 of 4 stars; one submission).

Conditions:
Fanconi anemia (FA). Also called: Fanconi's anemia. Identifiers: Orphanet 84, MedGen C0015625, MeSH D005199, MONDO:0019391.

Submission:

Labcorp Genetics (formerly Invitae), Labcorp
Classification: Uncertain significance for Fanconi anemia. Last evaluated: 2022-02-18. Review status: criteria provided, single submitter. Criteria: Invitae Variant Classification Sherloc (09022015). Collection method: clinical testing. Allele origin: germline.
Comment: ClinVar contains an entry for this variant (Variation ID: 1041667). Algorithms developed to predict the effect of missense changes on protein structure and function (SIFT, PolyPhen-2, Align-GVGD) all suggest that this variant is likely to be disruptive. In summary, the available evidence is currently insufficient to determine the role of this variant in disease. Therefore, it has been classified as a Variant of Uncertain Significance. This variant has not been reported in the literature in individuals affected with SLX4-related conditions. This variant is not present in population databases (gnomAD no frequency). This sequence change replaces tyrosine, which is neutral and polar, with cysteine, which is neutral and slightly polar, at codon 1767 of the SLX4 protein (p.Tyr1767Cys).